The following is an entry in ClinVar:

NM_001267550.2(TTN):c.51943G>T (p.Val17315Phe)

Genes: TTN (titin; minus strand), TTN-AS1 (TTN antisense RNA 1; plus strand). Cytogenetic location: 2q31.2.
Variant type: single nucleotide variant.
Coding change: c.51943G>T on transcript NM_001267550.2 (MANE Select); coding-DNA position 51943, G replaced by T.
Protein change: p.Val17315Phe; replaces valine 17315 with phenylalanine.
Molecular consequence: missense variant.
Genome position (GRCh38, 1-based): chr2:178,609,367, C>A on the plus strand (G>T on the coding strand, the complement: TTN is on the minus strand). VCF-style: chr2-178609367-C-A. GRCh37 (hg19) VCF-style: chr2-179474094-C-A.
Other names: c.47020G>T, p.Val15674Phe (NM_001256850.1); c.24748G>T, p.Val8250Phe (NM_003319.4); c.44239G>T, p.Val14747Phe (NM_133378.4); c.25123G>T, p.Val8375Phe (NM_133432.3); c.25324G>T, p.Val8442Phe (NM_133437.4); short protein forms V14747F, V15674F, V17315F, V8250F, V8375F, V8442F.
Identifiers: ClinVar variation 4891444 (VCV004891444.1).

ClinVar aggregate classification (germline): Uncertain significance (1 of 4 stars; one submission).

gnomAD v4.1: 2 of 1,612,264 alleles (0.00012%); highest among the groups gnomAD compares: Non-Finnish European, 0.00017%; no homozygotes.

Submission:

GeneDx
Classification: Uncertain significance. Last evaluated: 2026-02-04. Review status: criteria provided, single submitter. Criteria: GeneDx Variant Classification Process June 2021. Collection method: clinical testing. Allele origin: germline.
Comment: Not observed at significant frequency in large population cohorts (gnomAD); Missense variant in a gene in which most reported pathogenic variants are truncating/loss of function; Has not been previously published as pathogenic or benign to our knowledge